The following is an entry in ClinVar:

ClinVar aggregate classification (germline): Uncertain significance (1 of 4 stars; one submission).

Conditions:
RYR1-related disorder. Also called: RYR1-related condition; RYR1-related disorders. Identifiers: MedGen CN239331.

Submission:

Labcorp Genetics (formerly Invitae), Labcorp
Classification: Uncertain significance for RYR1-related disorder. Last evaluated: 2025-06-23. Review status: criteria provided, single submitter. Criteria: Invitae Variant Classification Sherloc (09022015). Collection method: clinical testing. Allele origin: germline.
Comment: This sequence change replaces alanine, which is neutral and non-polar, with valine, which is neutral and non-polar, at codon 3349 of the RYR1 protein (p.Ala3349Val). This variant is not present in population databases (gnomAD no frequency). This variant has not been reported in the literature in individuals affected with RYR1-related conditions. ClinVar contains an entry for this variant (Variation ID: 3716638). Invitae Evidence Modeling of protein sequence and biophysical properties (such as structural, functional, and spatial information, amino acid conservation, physicochemical variation, residue mobility, and thermodynamic stability) indicates that this missense variant is not expected to disrupt RYR1 protein function with a negative predictive value of 80%. In summary, the available evidence is currently insufficient to determine the role of this variant in disease. Therefore, it has been classified as a Variant of Uncertain Significance.

NM_000540.3(RYR1):c.10046C>T (p.Ala3349Val)

Gene: RYR1 (ryanodine receptor 1; plus strand). Cytogenetic location: 19q13.2.
Variant type: single nucleotide variant.
Coding change: c.10046C>T on transcript NM_000540.3 (MANE Select); coding-DNA position 10046, C replaced by T.
Protein change: p.Ala3349Val; replaces alanine 3349 with valine.
Molecular consequence: missense variant.
Genome position (GRCh38, 1-based): chr19:38,519,241, C>T. VCF-style: chr19-38519241-C-T. GRCh37 (hg19) VCF-style: chr19-39009881-C-T.
Other names: c.10046C>T, p.Ala3349Val (NM_001042723.2); short protein forms A3349V.
Identifiers: ClinVar variation 3716638 (VCV003716638.2).